The following is an entry in ClinVar:

ClinVar aggregate classification (germline): Uncertain significance (1 of 4 stars; one submission).

Allele frequency attached by ClinVar (database versions not stated): gnomAD exomes below 0.00001.
gnomAD v4.1: 1 of 1,539,458 alleles (0.000065%); highest among the groups gnomAD compares: Non-Finnish European, 0.000088%; no homozygotes.

Submission:

CeGaT Center for Human Genetics Tuebingen
Classification: Uncertain significance. Last evaluated: 2024-02-01. Review status: criteria provided, single submitter. Criteria: CeGaT Center For Human Genetics Tuebingen Variant Classification Criteria Version 2. Collection method: clinical testing. Allele origin: germline. Affected: yes. Observed: 1 variant allele.
Comment: CAPZA2: PM2

NM_006136.3(CAPZA2):c.4G>A (p.Ala2Thr)

Gene: CAPZA2 (capping actin protein of muscle Z-line subunit alpha 2; plus strand). Cytogenetic location: 7q31.2.
Variant type: single nucleotide variant.
Coding change: c.4G>A on transcript NM_006136.3 (MANE Select); coding-DNA position 4, G replaced by A.
Protein change: p.Ala2Thr; replaces alanine 2 with threonine.
Molecular consequence: missense variant.
Genome position (GRCh38, 1-based): chr7:116,862,615, G>A. VCF-style: chr7-116862615-G-A. GRCh37 (hg19) VCF-style: chr7-116502669-G-A.
Other names: short protein forms A2T.
Identifiers: ClinVar variation 3027222 (VCV003027222.22), dbSNP rs2485956153, ClinGen allele CA369119445.